The following is an entry in ClinVar:

NM_005732.4(RAD50):c.260G>A (p.Arg87His)

Gene: RAD50 (RAD50 double strand break repair protein; plus strand). Cytogenetic location: 5q31.1.
Variant type: single nucleotide variant.
Coding change: c.260G>A on transcript NM_005732.4 (MANE Select); coding-DNA position 260, G replaced by A.
Protein change: p.Arg87His; replaces arginine 87 with histidine.
Molecular consequence: missense variant.
Genome position (GRCh38, 1-based): chr5:132,575,823, G>A. VCF-style: chr5-132575823-G-A. GRCh37 (hg19) VCF-style: chr5-131911515-G-A.
Other names: p.R87H:CGT>CAT; short protein forms R87H.
Identifiers: ClinVar variation 128007 (VCV000128007.31), dbSNP rs374561375, ClinGen allele CA331873.

ClinVar aggregate classification (germline): Conflicting classifications of pathogenicity. Review status: criteria provided, conflicting classifications (1 of 4 stars). 10 submissions from 10 submitters: Uncertain significance (3); Benign (1); Likely benign (5). 1 of the submissions does not count toward it. Last evaluated 2026-01-26.

Conditions:
Hereditary cancer-predisposing syndrome. Also called: Tumor predisposition; Hereditary neoplastic syndrome; Neoplastic Syndromes, Hereditary; Hereditary Cancer Syndrome. Identifiers: Orphanet 140162, MedGen C0027672, MeSH D009386, MONDO:0015356.
Nijmegen breakage syndrome-like disorder (NBSLD). Also called: MICROCEPHALY AND SPONTANEOUS CHROMOSOME INSTABILITY WITHOUT IMMUNODEFICIENCY; NBS-LIKE DISORDER; RAD50 DEFICIENCY. Identifiers: Orphanet 240760, MedGen C2751318, MONDO:0013118, OMIM 613078.

Allele frequency attached by ClinVar (database versions not stated): ESP Exome Variant Server 0.00015; gnomAD 0.00042 and 0.00056; TOPMed 0.00053; 1000 Genomes Project 30x 0.00094; 1000 Genomes Project 0.00100.
gnomAD v4.1: 508 of 1,602,258 alleles (0.032%); highest among the groups gnomAD compares: South Asian, 0.39%; 4 homozygotes.

Submissions (10):

Labcorp Genetics (formerly Invitae), Labcorp
Classification: Likely benign for Hereditary cancer-predisposing syndrome. Last evaluated: 2026-01-26. Review status: criteria provided, single submitter. Criteria: Invitae Variant Classification Sherloc (09022015). Collection method: clinical testing. Allele origin: germline.

Quest Diagnostics Nichols Institute San Juan Capistrano
Classification: Likely benign. Last evaluated: 2025-09-12. Review status: criteria provided, single submitter. Criteria: Quest Diagnostics criteria. Collection method: clinical testing. Allele origin: unknown.

Blueprint Genetics
Classification: Likely benign. Last evaluated: 2024-11-13. Review status: criteria provided, single submitter. Criteria: ACMG Guidelines, 2015. Collection method: clinical testing. Allele origin: germline.

Women's Health and Genetics/Laboratory Corporation of America, LabCorp
Classification: Likely benign. Last evaluated: 2023-02-13. Review status: criteria provided, single submitter. Criteria: LabCorp Variant Classification Summary - May 2015. Collection method: clinical testing. Allele origin: germline.

Ambry Genetics
Classification: Likely benign for Hereditary cancer-predisposing syndrome. Last evaluated: 2022-07-11. Review status: criteria provided, single submitter. Criteria: Ambry Variant Classification Scheme 2023. Collection method: clinical testing. Allele origin: germline.

Revvity Omics, Revvity
Classification: Uncertain significance for Nijmegen breakage syndrome-like disorder. Last evaluated: 2022-05-19. Review status: criteria provided, single submitter. Criteria: ACMG Guidelines, 2015. Collection method: clinical testing. Allele origin: germline.

Sema4
Classification: Benign for Nijmegen breakage syndrome-like disorder. Last evaluated: 2020-12-08. Review status: criteria provided, single submitter. Criteria: Sema4 Curation Guidelines. Collection method: curation. Allele origin: germline.

GeneDx
Classification: Uncertain significance. Last evaluated: 2019-12-31. Review status: criteria provided, single submitter. Criteria: GeneDx Variant Classification Process June 2021. Collection method: clinical testing. Allele origin: germline. Affected: yes.
Comment: In silico analysis, which includes protein predictors and evolutionary conservation, supports that this variant does not alter protein structure/function; Observed in individuals with breast cancer (Damiola 2014, Couch 2015, Maxwell 2015); This variant is associated with the following publications: (PMID: 25452441, 25503501, 24894818)

Genetic Services Laboratory, University of Chicago
Classification: Uncertain significance. Last evaluated: 2016-02-10. Review status: criteria provided, single submitter. Criteria: ACMG Guidelines, 2015. Collection method: clinical testing. Allele origin: germline. Affected: no.

Counsyl
Classification: Uncertain significance for Nijmegen breakage syndrome-like disorder. Last evaluated: 2017-11-19. Review status: no assertion criteria provided. Collection method: clinical testing. Allele origin: unknown. Not counted in ClinVar's aggregate classification.

Literature cited by the submitters: PubMed 33471991 (cited by Quest Diagnostics Nichols Institute San Juan Capistrano); PubMed 26689913 (cited by Quest Diagnostics Nichols Institute San Juan Capistrano and Counsyl); PubMed 25503501 (cited by Quest Diagnostics Nichols Institute San Juan Capistrano and Counsyl); PubMed 25452441 (cited by 3 submitters); PubMed 24894818 (cited by Quest Diagnostics Nichols Institute San Juan Capistrano and Counsyl).